The following is an entry in ClinVar:

NM_017415.3(KLHL3):c.1147C>G (p.Arg383Gly)

Gene: KLHL3 (kelch like family member 3; minus strand). Cytogenetic location: 5q31.2.
Variant type: single nucleotide variant.
Coding change: c.1147C>G on transcript NM_017415.3 (MANE Select); coding-DNA position 1147, C replaced by G.
Protein change: p.Arg383Gly; replaces arginine 383 with glycine.
Molecular consequence: missense variant.
Genome position (GRCh38, 1-based): chr5:137,639,025, G>C on the plus strand (C>G on the coding strand, the complement: KLHL3 is on the minus strand). VCF-style: chr5-137639025-G-C. GRCh37 (hg19) VCF-style: chr5-136974714-G-C.
Other names: c.1051C>G, p.Arg351Gly (NM_001257194.1); c.901C>G, p.Arg301Gly (NM_001257195.2); short protein forms R301G, R351G, R383G.
Identifiers: ClinVar variation 4811740 (VCV004811740.1).

ClinVar aggregate classification (germline): Uncertain significance (1 of 4 stars; one submission).

Submission:

Labcorp Genetics (formerly Invitae), Labcorp
Classification: Uncertain significance. Last evaluated: 2025-06-12. Review status: criteria provided, single submitter. Criteria: Invitae Variant Classification Sherloc (09022015). Collection method: clinical testing. Allele origin: germline.
Comment: This sequence change replaces arginine, which is basic and polar, with glycine, which is neutral and non-polar, at codon 383 of the KLHL3 protein (p.Arg383Gly). This variant is not present in population databases (gnomAD no frequency). This variant has not been reported in the literature in individuals affected with KLHL3-related conditions. Invitae Evidence Modeling of protein sequence and biophysical properties (such as structural, functional, and spatial information, amino acid conservation, physicochemical variation, residue mobility, and thermodynamic stability) indicates that this missense variant is not expected to disrupt KLHL3 protein function with a negative predictive value of 80%. In summary, the available evidence is currently insufficient to determine the role of this variant in disease. Therefore, it has been classified as a Variant of Uncertain Significance.